The following is an entry in ClinVar:

ClinVar aggregate classification (germline): Pathogenic (1 of 4 stars; one submission).

Conditions:
Galactosylceramide beta-galactosidase deficiency. Also called: Krabbe Disease; GALACTOCEREBROSIDASE DEFICIENCY; GALC DEFICIENCY; GLOBOID CELL LEUKOENCEPHALOPATHY; Leukodystrophy, Globoid Cell. Identifiers: Orphanet 487, MedGen C0023521, MONDO:0009499, OMIM 245200.

gnomAD v4.1: 1 of 1,614,122 alleles (0.000062%); highest among the groups gnomAD compares: Non-Finnish European, 0.000085%; no homozygotes.

Submission:

Labcorp Genetics (formerly Invitae), Labcorp
Classification: Pathogenic for Galactosylceramide beta-galactosidase deficiency. Last evaluated: 2020-12-22. Review status: criteria provided, single submitter. Criteria: Invitae Variant Classification Sherloc (09022015). Collection method: clinical testing. Allele origin: germline.
Comment: For these reasons, this variant has been classified as Pathogenic. This variant has not been reported in the literature in individuals with GALC-related conditions. This variant is not present in population databases (ExAC no frequency). This sequence change creates a premature translational stop signal (p.Gln169*) in the GALC gene. It is expected to result in an absent or disrupted protein product. Loss-of-function variants in GALC are known to be pathogenic (PMID: 7437911, 9272171, 16607461).

Literature cited by the submitters: PubMed 7437911; PubMed 9272171; PubMed 16607461.

NM_000153.4(GALC):c.505C>T (p.Gln169Ter)

Gene: GALC (galactosylceramidase; minus strand). Cytogenetic location: 14q31.3.
Variant type: single nucleotide variant.
Coding change: c.505C>T on transcript NM_000153.4 (MANE Select); coding-DNA position 505, C replaced by T.
Protein change: p.Gln169Ter; replaces glutamine 169 with a stop codon.
Molecular consequence: nonsense.
Genome position (GRCh38, 1-based): chr14:87,984,471, G>A on the plus strand (C>T on the coding strand, the complement: GALC is on the minus strand). VCF-style: chr14-87984471-G-A. GRCh37 (hg19) VCF-style: chr14-88450815-G-A.
Other names: c.436C>T, p.Gln146Ter (NM_001201401.2); c.427C>T, p.Gln143Ter (NM_001201402.2); short protein forms Q146*, Q169*, Q143*.
Identifiers: ClinVar variation 1402125 (VCV001402125.6), dbSNP rs2139749699, ClinGen allele CA390751710.